The following is an entry in ClinVar:

NM_005883.3(APC2):c.4462C>T (p.Arg1488Cys)

Gene: APC2 (APC regulator of Wnt signaling pathway 2; plus strand). Cytogenetic location: 19p13.3.
Variant type: single nucleotide variant.
Coding change: c.4462C>T on transcript NM_005883.3 (MANE Select); coding-DNA position 4462, C replaced by T.
Protein change: p.Arg1488Cys; replaces arginine 1488 with cysteine.
Molecular consequence: missense variant.
Genome position (GRCh38, 1-based): chr19:1,467,763, C>T. VCF-style: chr19-1467763-C-T. GRCh37 (hg19) VCF-style: chr19-1467762-C-T.
Other names: c.4459C>T, p.Arg1487Cys (NM_001351273.1); short protein forms R1487C, R1488C.
Identifiers: ClinVar variation 1879407 (VCV001879407.31), dbSNP rs774662474, ClinGen allele CA9045816.

ClinVar aggregate classification (germline): Uncertain significance. Review status: criteria provided, multiple submitters, no conflicts (2 of 4 stars). 2 submissions from 2 submitters: Uncertain significance (2). Last evaluated 2026-01-12.

Allele frequency attached by ClinVar (database versions not stated): TOPMed 0.00008; gnomAD exomes 0.00013; gnomAD 0.00018; ExAC 0.00131.
gnomAD v4.1: 189 of 1,432,108 alleles (0.013%); highest among the groups gnomAD compares: Non-Finnish European, 0.01%; no homozygotes.

Submissions (2):

Labcorp Genetics (formerly Invitae), Labcorp
Classification: Uncertain significance. Last evaluated: 2026-01-12. Review status: criteria provided, single submitter. Criteria: Invitae Variant Classification Sherloc (09022015). Collection method: clinical testing. Allele origin: germline.
Comment: This sequence change replaces arginine, which is basic and polar, with cysteine, which is neutral and slightly polar, at codon 1488 of the APC2 protein (p.Arg1488Cys). This variant is present in population databases (rs774662474, gnomAD 0.2%). This variant has not been reported in the literature in individuals affected with APC2-related conditions. ClinVar contains an entry for this variant (Variation ID: 1879407). Invitae Evidence Modeling of protein sequence and biophysical properties (such as structural, functional, and spatial information, amino acid conservation, physicochemical variation, residue mobility, and thermodynamic stability) indicates that this missense variant is not expected to disrupt APC2 protein function with a negative predictive value of 80%. In summary, the available evidence is currently insufficient to determine the role of this variant in disease. Therefore, it has been classified as a Variant of Uncertain Significance.

CeGaT Center for Human Genetics Tuebingen
Classification: Uncertain significance. Last evaluated: 2023-03-01. Review status: criteria provided, single submitter. Criteria: CeGaT Center For Human Genetics Tuebingen Variant Classification Criteria Version 2. Collection method: clinical testing. Allele origin: germline. Affected: yes. Observed: 2 variant alleles.
Comment: APC2: PM2, PP4